The following is an entry in ClinVar:

NM_004409.5(DMPK):c.*224CTG[640]

Genes: DM1-AS (DM1 locus antisense RNA; plus strand), DMPK (DM1 protein kinase; minus strand), LOC107075317 (origin of replication in DMPK trinucleotide repeat region; plus strand), LOC109461477 (dystrophia myotonica protein kinase repeat instability region; plus strand). Cytogenetic location: 19q13.32.
Variant type: Microsatellite.
Coding change: c.*224CTG[640] on transcript NM_004409.5 (MANE Select); 640 copies in a row of the 3-base unit CTG starting at c.*224.
Molecular consequence: 3 prime UTR variant.
Genome position: GRCh38, VCF-style position (the base before the change): chr19:45,770,204. GRCh37 (hg19), VCF-style position (the base before the change): chr19:46,273,462.
Other names: DM1 CTG repeat expansion; c.*217CTG[640] (NM_001424166.1, NM_001288765.2, NM_001424162.1 and 2 more transcripts); c.*369CTG[640] (NM_001424168.1, NM_001288766.2, NM_001424164.1); c.*224CTG[640] (NM_001424169.1, NM_001288764.2, NM_001424165.1 and 1 more transcripts); c.*222_*224TGC[640] (NM_001081563.3).
Identifiers: ClinVar variation 188017 (VCV000188017.1), ClinGen allele CA915951845.

ClinVar aggregate classification (germline): Pathogenic (0 of 4 stars; one submission).

Conditions:
Steinert myotonic dystrophy syndrome (DM1). Also called: STEINERT DISEASE; Myotonic dystrophy type 1; Dystrophia myotonica type 1; Steinert myotonic dystrophy; Steinert's disease. Identifiers: Orphanet 273, MedGen C3250443, MONDO:0008056, OMIM 160900.

Submission:

Institute of Molecular, Cell and Systems Biology, University of Glasgow
Classification: Pathogenic for Steinert myotonic dystrophy syndrome. Review status: no assertion criteria provided. Criteria: research. Collection method: research. Allele origin: germline. Inheritance: Autosomal dominant inheritance. Affected: yes. Observed: 1 heterozygote.
Comment: DMPK CTG repeat expansions greater than approximately 45-50 repeats are assumed to be pathogenic

This record is based on data published in PubMed 25052313, which reports only ClinVar accessions SCV000120188 and SCV000120189. The complete data set includes SCV000207445 - SCV000207579.

Literature cited by the submitters: PubMed 1346923; PubMed 1546326; PubMed 25052313.